The following is an entry in ClinVar:

NM_017654.4(SAMD9):c.142T>A (p.Trp48Arg)

Gene: SAMD9 (sterile alpha motif domain containing 9; minus strand). Cytogenetic location: 7q21.2.
Variant type: single nucleotide variant.
Coding change: c.142T>A on transcript NM_017654.4 (MANE Select); coding-DNA position 142, T replaced by A.
Protein change: p.Trp48Arg; replaces tryptophan 48 with arginine.
Molecular consequence: missense variant.
Genome position (GRCh38, 1-based): chr7:93,105,956, A>T on the plus strand (T>A on the coding strand, the complement: SAMD9 is on the minus strand). VCF-style: chr7-93105956-A-T. GRCh37 (hg19) VCF-style: chr7-92735269-A-T.
Other names: c.142T>A, p.Trp48Arg (NM_001193307.2); short protein forms W48R.
Identifiers: ClinVar variation 3949635 (VCV003949635.1).

ClinVar aggregate classification (germline): Uncertain significance (1 of 4 stars; one submission).

Conditions:
Inborn genetic diseases. Identifiers: MedGen C0950123, MeSH D030342.

Submission:

Ambry Genetics
Classification: Uncertain significance for Inborn genetic diseases. Last evaluated: 2025-05-17. Review status: criteria provided, single submitter. Criteria: Ambry Variant Classification Scheme 2023. Collection method: clinical testing. Allele origin: germline.
Comment: The p.W48R variant (also known as c.142T>A), located in coding exon 1 of the SAMD9 gene, results from a T to A substitution at nucleotide position 142. The tryptophan at codon 48 is replaced by arginine, an amino acid with dissimilar properties. This amino acid position is conserved. In addition, this alteration is predicted to be tolerated by in silico analysis. Based on the available evidence, the clinical significance of this variant remains unclear.